The following is an entry in ClinVar:

NM_172107.4(KCNQ2):c.1109C>G (p.Pro370Arg)

Gene: KCNQ2 (potassium voltage-gated channel subfamily Q member 2; minus strand). Cytogenetic location: 20q13.33.
Variant type: single nucleotide variant.
Coding change: c.1109C>G on transcript NM_172107.4 (MANE Select); coding-DNA position 1109, C replaced by G.
Protein change: p.Pro370Arg; replaces proline 370 with arginine.
Molecular consequence: missense variant.
Genome position (GRCh38, 1-based): chr20:63,433,818, G>C on the plus strand (C>G on the coding strand, the complement: KCNQ2 is on the minus strand). VCF-style: chr20-63433818-G-C. GRCh37 (hg19) VCF-style: chr20-62065171-G-C.
Other names: c.1109C>G, p.Pro370Arg (NM_004518.6, NM_172106.3, NM_172108.5 and 1 more transcripts); short protein forms P370R.
Identifiers: ClinVar variation 405211 (VCV000405211.10), dbSNP rs765394232, ClinGen allele CA16616254.

ClinVar aggregate classification (germline): Uncertain significance (1 of 4 stars; one submission).

Conditions:
Early-infantile DEE. Also called: Early infantile epileptic encephalopathy; Early infantile epileptic encephalopathy with suppression bursts; Ohtahara syndrome. Identifiers: Orphanet 1934, MedGen C0393706, MONDO:0800491.

Submission:

Labcorp Genetics (formerly Invitae), Labcorp
Classification: Uncertain significance for Early-infantile DEE. Last evaluated: 2018-05-07. Review status: criteria provided, single submitter. Criteria: Invitae Variant Classification Sherloc (09022015). Collection method: clinical testing. Allele origin: germline.
Comment: In summary, this variant is a novel missense change with uncertain impact on protein function. It has been classified as a Variant of Uncertain Significance. Algorithms developed to predict the effect of sequence changes on mRNA splicing suggest that this variant may alter mRNA splicing, but this prediction has not been confirmed by published transcriptional studies. Algorithms developed to predict the effect of missense changes on protein structure and function do not agree on the potential impact of this missense change (SIFT: "Deleterious"; PolyPhen-2: "Probably Damaging"; Align-GVGD: "Class C0"). This variant is not present in population databases (ExAC no frequency) and has not been reported in the literature in individuals with a KCNQ2-related disease. This sequence change replaces proline with arginine at codon 370 of the KCNQ2 protein (p.Pro370Arg). The proline residue is highly conserved and there is a moderate physicochemical difference between proline and arginine.